The following is an entry in ClinVar:

ClinVar aggregate classification (germline): Likely benign. Review status: criteria provided, multiple submitters, no conflicts (2 of 4 stars). 4 submissions from 4 submitters: Likely benign (3). 1 of the submissions does not count toward it. Last evaluated 2024-10-30.

Conditions:
EDAR-related disorder. Also called: EDAR-related condition.
Hypohidrotic ectodermal dysplasia (HED). Identifiers: Orphanet 238468, MedGen C5848103, MONDO:0016535, HP:0007607.
Ectodermal dysplasia 10A, hypohidrotic/hair/nail type, autosomal dominant (ECTD10A). Also called: Ectodermal Dysplasia 3, Anhidrotic. Identifiers: Orphanet 1810, Orphanet 238468, MedGen C3888065, MONDO:0007509, OMIM 129490.
Autosomal recessive hypohidrotic ectodermal dysplasia syndrome. Also called: Autosomal recessive hypohidrotic ectodermal dysplasia. Identifiers: Orphanet 248, MedGen C0406702, MONDO:0016619.

Allele frequency attached by ClinVar (database versions not stated): gnomAD exomes 0.00022; 1000 Genomes Project 30x 0.00016; 1000 Genomes Project 0.00020; ExAC 0.00022; gnomAD 0.00032 and 0.00035; ESP Exome Variant Server 0.00062; TOPMed 0.00040.
gnomAD v4.1: 469 of 1,611,634 alleles (0.029%); highest among the groups gnomAD compares: Non-Finnish European, 0.036%; no homozygotes.

Submissions (4):

Labcorp Genetics (formerly Invitae), Labcorp
Classification: Likely benign for Ectodermal dysplasia 10A, hypohidrotic/hair/nail type, autosomal dominant; Autosomal recessive hypohidrotic ectodermal dysplasia syndrome. Last evaluated: 2024-10-30. Review status: criteria provided, single submitter. Criteria: Invitae Variant Classification Sherloc (09022015). Collection method: clinical testing. Allele origin: germline.

Blueprint Genetics
Classification: Likely benign. Last evaluated: 2024-09-15. Review status: criteria provided, single submitter. Criteria: ACMG Guidelines, 2015. Collection method: clinical testing. Allele origin: germline.

Illumina Laboratory Services, Illumina
Classification: Likely benign for Hypohidrotic ectodermal dysplasia. Last evaluated: 2018-01-13. Review status: criteria provided, single submitter. Criteria: ICSL Variant Classification Criteria 13 December 2019. Collection method: clinical testing. Allele origin: germline.
Comment: This variant was observed in the ICSL laboratory as part of a predisposition screen in an ostensibly healthy population. It had not been previously curated by ICSL or reported in the Human Gene Mutation Database (HGMD: prior to June 1st, 2018), and was therefore a candidate for classification through an automated scoring system. Utilizing variant allele frequency, disease prevalence and penetrance estimates, and inheritance mode, an automated score was calculated to assess if this variant is too frequent to cause the disease. Based on the score and internal cut-off values, a variant classified as likely benign is not then subjected to further curation. The score for this variant resulted in a classification of likely benign for this disease.

PreventionGenetics, part of Exact Sciences
Classification: Likely benign for EDAR-related condition. Last evaluated: 2019-10-28. Review status: no assertion criteria provided. Collection method: clinical testing. Allele origin: germline. Not counted in ClinVar's aggregate classification.
Comment: This variant is classified as likely benign based on ACMG/AMP sequence variant interpretation guidelines (Richards et al. 2015 PMID: 25741868, with internal and published modifications).

NM_022336.4(EDAR):c.731-4G>T

Genes: RANBP2 (RAN binding protein 2; plus strand), EDAR (ectodysplasin A receptor; minus strand). Cytogenetic location: 2q13.
Variant type: single nucleotide variant.
Coding change: c.731-4G>T on transcript NM_022336.4 (MANE Select); 4 bases into the intron before coding-DNA position 731, G replaced by T.
Molecular consequence: intron variant.
Genome position (GRCh38, 1-based): chr2:108,910,536, C>A on the plus strand (G>T on the coding strand, the complement: EDAR is on the minus strand). VCF-style: chr2-108910536-C-A. GRCh37 (hg19) VCF-style: chr2-109526992-C-A.
Identifiers: ClinVar variation 893106 (VCV000893106.14), dbSNP rs201539805, ClinGen allele CA1824947.